The following is an entry in ClinVar:

NM_014908.4(DOLK):c.175A>G (p.Lys59Glu)

Gene: DOLK (dolichol kinase; minus strand). Cytogenetic location: 9q34.11.
Variant type: single nucleotide variant.
Coding change: c.175A>G on transcript NM_014908.4 (MANE Select); coding-DNA position 175, A replaced by G.
Protein change: p.Lys59Glu; replaces lysine 59 with glutamic acid.
Molecular consequence: missense variant.
Genome position (GRCh38, 1-based): chr9:128,947,129, T>C on the plus strand (A>G on the coding strand, the complement: DOLK is on the minus strand). VCF-style: chr9-128947129-T-C. GRCh37 (hg19) VCF-style: chr9-131709408-T-C.
Other names: c.175A>G (NM_014908.3); short protein forms K59E.
Identifiers: ClinVar variation 1522307 (VCV001522307.8), dbSNP rs771383826, ClinGen allele CA5271789.

ClinVar aggregate classification (germline): Uncertain significance. Review status: criteria provided, multiple submitters, no conflicts (2 of 4 stars). 2 submissions from 2 submitters: Uncertain significance (2). Last evaluated 2025-11-15.

Conditions:
DK1-congenital disorder of glycosylation. Also called: DOLK-congenital disorder of glycosylation; Carbohydrate deficient glycoprotein syndrome type 1m; CONGENITAL DISORDER OF GLYCOSYLATION, TYPE Im; CDG Im; DK1 DEFICIENCY; DOLICHOL KINASE DEFICIENCY. Identifiers: Orphanet 91131, MedGen C1835849, MONDO:0012556, OMIM 610768.
Cardiovascular phenotype. Identifiers: MedGen CN230736.

Allele frequency attached by ClinVar (database versions not stated): gnomAD 0.00001; TOPMed 0.00001; gnomAD exomes 0.00002; ExAC 0.00003.

Submissions (2):

Ambry Genetics
Classification: Uncertain significance for Cardiovascular phenotype. Last evaluated: 2025-11-15. Review status: criteria provided, single submitter. Criteria: Ambry Variant Classification Scheme 2023. Collection method: clinical testing. Allele origin: germline.
Comment: The p.K59E variant (also known as c.175A>G), located in coding exon 1 of the DOLK gene, results from an A to G substitution at nucleotide position 175. The lysine at codon 59 is replaced by glutamic acid, an amino acid with similar properties. This amino acid position is conserved. In addition, this alteration is predicted to be deleterious by in silico analysis. Since supporting evidence is limited at this time, the clinical significance of this alteration remains unclear.

Labcorp Genetics (formerly Invitae), Labcorp
Classification: Uncertain significance for DK1-congenital disorder of glycosylation. Last evaluated: 2021-09-24. Review status: criteria provided, single submitter. Criteria: Invitae Variant Classification Sherloc (09022015). Collection method: clinical testing. Allele origin: germline.
Comment: This sequence change replaces lysine with glutamic acid at codon 59 of the DOLK protein (p.Lys59Glu). The lysine residue is moderately conserved and there is a small physicochemical difference between lysine and glutamic acid. This variant is present in population databases (rs771383826, ExAC 0.006%). This variant has not been reported in the literature in individuals with DOLK-related conditions. Algorithms developed to predict the effect of missense changes on protein structure and function are either unavailable or do not agree on the potential impact of this missense change (SIFT: "Deleterious"; PolyPhen-2: "Probably Damaging"; Align-GVGD: "Class C0"). In summary, the available evidence is currently insufficient to determine the role of this variant in disease. Therefore, it has been classified as a Variant of Uncertain Significance.